The following is an entry in ClinVar:

NM_001040664.3(PPAN-P2RY11):c.2268C>T (p.Pro756=)

Genes: P2RY11 (purinergic receptor P2Y11; plus strand), PPAN-P2RY11 (PPAN-P2RY11 readthrough; plus strand). Cytogenetic location: 19p13.2.
Variant type: single nucleotide variant.
Coding change: c.2268C>T on transcript NM_001040664.3; coding-DNA position 2268, C replaced by T.
Protein change: p.Pro756=; no amino-acid change (proline 756 retained).
Molecular consequence: synonymous variant. On other transcripts: 3 prime UTR variant (1).
Genome position (GRCh38, 1-based): chr19:10,114,621, C>T. VCF-style: chr19-10114621-C-T. GRCh37 (hg19) VCF-style: chr19-10225297-C-T.
Other names: c.1008C>T, p.Pro336= (NM_002566.5); c.*767C>T (NM_001198690.2).
Identifiers: ClinVar variation 3053248 (VCV003053248.2), dbSNP rs200987497, ClinGen allele CA9186655.

ClinVar aggregate classification (germline): Likely benign (0 of 4 stars; one submission).

Conditions:
PPAN-P2RY11-related disorder. Also called: PPAN-P2RY11-related condition.

Allele frequency attached by ClinVar (database versions not stated): gnomAD exomes 0.00008; gnomAD 0.00009; TOPMed 0.00013; ExAC 0.00021; 1000 Genomes Project 0.00060; 1000 Genomes Project 30x 0.00062.

Submission:

PreventionGenetics, part of Exact Sciences
Classification: Likely benign for PPAN-P2RY11-related condition. Last evaluated: 2019-08-16. Review status: no assertion criteria provided. Collection method: clinical testing. Allele origin: germline.
Comment: This variant is classified as likely benign based on ACMG/AMP sequence variant interpretation guidelines (Richards et al. 2015 PMID: 25741868, with internal and published modifications).